The following is an entry in ClinVar:

NM_001267550.2(TTN):c.13446T>G (p.Tyr4482Ter)

Gene: TTN (titin; minus strand). Cytogenetic location: 2q31.2.
Variant type: single nucleotide variant.
Coding change: c.13446T>G on transcript NM_001267550.2 (MANE Select); coding-DNA position 13446, T replaced by G.
Protein change: p.Tyr4482Ter; replaces tyrosine 4482 with a stop codon.
Molecular consequence: nonsense. On other transcripts: intron variant (1).
Genome position (GRCh38, 1-based): chr2:178,739,787, A>C on the plus strand (T>G on the coding strand, the complement: TTN is on the minus strand). VCF-style: chr2-178739787-A-C. GRCh37 (hg19) VCF-style: chr2-179604514-A-C.
Other names: c.12495T>G, p.Tyr4165Ter (NM_001256850.1); c.12357T>G, p.Tyr4119Ter (NM_003319.4); c.12732T>G, p.Tyr4244Ter (NM_133432.3); c.12933T>G, p.Tyr4311Ter (NM_133437.4); c.10361-1427T>G (NM_133378.4); short protein forms Y4311*, Y4165*, Y4244*, Y4482*, Y4119*.
Identifiers: ClinVar variation 2923973 (VCV002923973.4), dbSNP rs1574070639, ClinGen allele CA349607914.

ClinVar aggregate classification (germline): Likely pathogenic. Review status: criteria provided, multiple submitters, no conflicts (2 of 4 stars). 2 submissions from 2 submitters: Likely pathogenic (2). Last evaluated 2024-10-18.

Conditions:
TTN-related disorder. Also called: TTN-related disorders; TTN-related condition; TTN-related disease.
Dilated cardiomyopathy 1G (CMD1G). Identifiers: Orphanet 154, MedGen C1858763, MONDO:0011400, OMIM 604145.
Autosomal recessive limb-girdle muscular dystrophy type 2J (LGMDR10). Also called: Limb-girdle muscular dystrophy, type 2J; MUSCULAR DYSTROPHY, LIMB-GIRDLE, AUTOSOMAL RECESSIVE 10. Identifiers: Orphanet 140922, MedGen C1837342, MONDO:0012127, OMIM 608807.

Submissions (2):

Labcorp Genetics (formerly Invitae), Labcorp
Classification: Likely pathogenic for Dilated cardiomyopathy 1G; Autosomal recessive limb-girdle muscular dystrophy type 2J. Last evaluated: 2024-10-18. Review status: criteria provided, single submitter. Criteria: Invitae Variant Classification Sherloc (09022015). Collection method: clinical testing. Allele origin: germline.
Comment: This sequence change creates a premature translational stop signal (p.Tyr4482*) in the TTN gene. While this is not anticipated to result in nonsense mediated decay, it is expected to create a truncated TTN protein. This variant is not present in population databases (gnomAD no frequency). This variant has not been reported in the literature in individuals affected with TTN-related conditions. Experimental studies and prediction algorithms are not available or were not evaluated, and the functional significance of this variant is currently unknown. This variant is located in the I band of TTN (PMID: 25589632). Truncating variants in this region have been reported in individuals affected with autosomal recessive centronuclear myopathy (PMID: 23975875, internal data). Truncating variants in this region have also been identified in individuals affected with autosomal dominant dilated cardiomyopathy and/or cardio-related conditions (PMID: 27869827, 32964742, internal data). In summary, the currently available evidence indicates that the variant is pathogenic, but additional data are needed to prove that conclusively. Therefore, this variant has been classified as Likely Pathogenic.

Blueprint Genetics
Classification: Likely pathogenic for TTN-related disorders. Last evaluated: 2022-07-13. Review status: criteria provided, single submitter. Criteria: ACMG Guidelines, 2015. Collection method: clinical testing. Allele origin: germline. Affected: yes. Observed: 2 variant alleles.

Literature cited by the submitters: PubMed 25589632 (cited by Labcorp Genetics (formerly Invitae), Labcorp); PubMed 23975875 (cited by Labcorp Genetics (formerly Invitae), Labcorp); PubMed 27869827 (cited by Labcorp Genetics (formerly Invitae), Labcorp); PubMed 32964742 (cited by Labcorp Genetics (formerly Invitae), Labcorp).